The following is an entry in ClinVar:

NM_021930.6(RINT1):c.670C>A (p.Leu224Ile)

Gene: RINT1 (RAD50 interactor 1; plus strand). Cytogenetic location: 7q22.3.
Variant type: single nucleotide variant.
Coding change: c.670C>A on transcript NM_021930.6 (MANE Select); coding-DNA position 670, C replaced by A.
Protein change: p.Leu224Ile; replaces leucine 224 with isoleucine.
Molecular consequence: missense variant. On other transcripts: 5 prime UTR variant (2), non-coding transcript variant (1), intron variant (1).
Genome position (GRCh38, 1-based): chr7:105,547,064, C>A. VCF-style: chr7-105547064-C-A. GRCh37 (hg19) VCF-style: chr7-105187511-C-A.
Other names: c.436C>A, p.Leu146Ile (NM_001346599.2); c.-350C>A (NM_001346600.2); c.-253C>A (NM_001346601.2); c.-27-2991C>A (NM_001346603.2); short protein forms L146I, L224I.
Identifiers: ClinVar variation 4863344 (VCV004863344.1).

ClinVar aggregate classification (germline): Uncertain significance (1 of 4 stars; one submission).

Submission:

Ambry Genetics
Classification: Uncertain significance. Last evaluated: 2026-05-28. Review status: criteria provided, single submitter. Criteria: Ambry Variant Classification Scheme 2023. Collection method: clinical testing. Allele origin: germline.
Comment: The p.L224I variant (also known as c.670C>A), located in coding exon 5 of the RINT1 gene, results from a C to A substitution at nucleotide position 670. The leucine at codon 224 is replaced by isoleucine, an amino acid with highly similar properties. This amino acid position is conserved. In addition, this alteration is predicted to be tolerated by in silico analysis. Based on the available evidence, the clinical significance of this variant remains unclear.